The following is an entry in ClinVar:

ClinVar aggregate classification (germline): Uncertain significance (1 of 4 stars; one submission).

Submission:

Labcorp Genetics (formerly Invitae), Labcorp
Classification: Uncertain significance. Last evaluated: 2023-11-28. Review status: criteria provided, single submitter. Criteria: Invitae Variant Classification Sherloc (09022015). Collection method: clinical testing. Allele origin: germline.
Comment: This sequence change replaces threonine, which is neutral and polar, with arginine, which is basic and polar, at codon 56 of the RP2 protein (p.Thr56Arg). This variant is not present in population databases (gnomAD no frequency). This variant has not been reported in the literature in individuals affected with RP2-related conditions. Advanced modeling of protein sequence and biophysical properties (such as structural, functional, and spatial information, amino acid conservation, physicochemical variation, residue mobility, and thermodynamic stability) has been performed at Invitae for this missense variant, however the output from this modeling did not meet the statistical confidence thresholds required to predict the impact of this variant on RP2 protein function. Algorithms developed to predict the effect of sequence changes on RNA splicing suggest that this variant may create or strengthen a splice site. In summary, the available evidence is currently insufficient to determine the role of this variant in disease. Therefore, it has been classified as a Variant of Uncertain Significance.

NM_006915.3(RP2):c.167C>G (p.Thr56Arg)

Gene: RP2 (RP2 activator of ARL3 GTPase; plus strand). Cytogenetic location: Xp11.3.
Variant type: single nucleotide variant.
Coding change: c.167C>G on transcript NM_006915.3 (MANE Select); coding-DNA position 167, C replaced by G.
Protein change: p.Thr56Arg; replaces threonine 56 with arginine.
Molecular consequence: missense variant.
Genome position (GRCh38, 1-based): chrX:46,853,540, C>G. VCF-style: chrX-46853540-C-G. GRCh37 (hg19) VCF-style: chrX-46712975-C-G.
Other names: short protein forms T56R.
Identifiers: ClinVar variation 3005624 (VCV003005624.3), dbSNP rs1201646093, ClinGen allele CA413038925.